The following is an entry in ClinVar:

NM_001127649.3(PEX26):c.855G>C (p.Gln285His)

Gene: PEX26 (peroxisomal biogenesis factor 26; plus strand). Cytogenetic location: 22q11.21.
Variant type: single nucleotide variant.
Coding change: c.855G>C on transcript NM_001127649.3 (MANE Select); coding-DNA position 855, G replaced by C.
Protein change: p.Gln285His; replaces glutamine 285 with histidine.
Molecular consequence: missense variant.
Genome position (GRCh38, 1-based): chr22:18,088,012, G>C. VCF-style: chr22-18088012-G-C. GRCh37 (hg19) VCF-style: chr22-18570778-G-C.
Other names: c.708G>C, p.Gln236His (NM_001199319.2); c.855G>C, p.Gln285His (NM_017929.6); short protein forms Q236H, Q285H.
Identifiers: ClinVar variation 2927045 (VCV002927045.3), dbSNP rs1167242787, ClinGen allele CA410269580.

ClinVar aggregate classification (germline): Uncertain significance (1 of 4 stars; one submission).

Conditions:
Peroxisome biogenesis disorder 7A (Zellweger). Also called: Peroxisome biogenesis disorder 7A. Identifiers: Orphanet 912, MedGen C3888385, MONDO:0013938, OMIM 614872.
Peroxisome biogenesis disorder 7B (PBD7B). Identifiers: Orphanet 44, MedGen C3553951, MONDO:0013939, OMIM 614873.

Allele frequency attached by ClinVar (database versions not stated): gnomAD exomes below 0.00001.
gnomAD v4.1: 2 of 1,613,794 alleles (0.00012%); highest among the groups gnomAD compares: Non-Finnish European, 0.000085%; no homozygotes.

Submission:

Labcorp Genetics (formerly Invitae), Labcorp
Classification: Uncertain significance for Peroxisome biogenesis disorder 7A (Zellweger); Peroxisome biogenesis disorder 7B. Last evaluated: 2023-10-07. Review status: criteria provided, single submitter. Criteria: Invitae Variant Classification Sherloc (09022015). Collection method: clinical testing. Allele origin: germline.
Comment: This sequence change replaces glutamine, which is neutral and polar, with histidine, which is basic and polar, at codon 285 of the PEX26 protein (p.Gln285His). This variant is present in population databases (no rsID available, gnomAD 0.0009%). This variant has not been reported in the literature in individuals affected with PEX26-related conditions. Advanced modeling of protein sequence and biophysical properties (such as structural, functional, and spatial information, amino acid conservation, physicochemical variation, residue mobility, and thermodynamic stability) performed at Invitae indicates that this missense variant is not expected to disrupt PEX26 protein function. In summary, the available evidence is currently insufficient to determine the role of this variant in disease. Therefore, it has been classified as a Variant of Uncertain Significance.